The following is an entry in ClinVar:

ClinVar aggregate classification (germline): Conflicting classifications of pathogenicity. Review status: criteria provided, conflicting classifications (1 of 4 stars). 9 submissions from 9 submitters: Uncertain significance (7); Likely benign (1). 1 of the submissions does not count toward it. Last evaluated 2026-03-01.

Conditions:
VLDLR-related disorder. Also called: VLDLR-related condition.
Cerebellar ataxia, impaired intellectual development, and dysequilibrium syndrome 1. Also called: VLDLR Cerebellar Hypoplasia; Cerebellar ataxia, mental retardation, and dysequilibrium syndrome 1; Cerebellar ataxia, intellectual disability, and dysequilibrium syndrome 1; Cerebellar hypoplasia and mental retardation with or without quadrupedal locomotion 1; CEREBELLAR ATAXIA AND MENTAL RETARDATION WITH OR WITHOUT QUADRUPEDAL LOCOMOTION 1; CEREBELLAR ATAXIA, CONGENITAL, AND MENTAL RETARDATION, AUTOSOMAL RECESSIVE. Identifiers: Orphanet 1766, MedGen C4551552, MONDO:0024542, OMIM 224050.

Allele frequency attached by ClinVar (database versions not stated): 1000 Genomes Project 0.00020; 1000 Genomes Project 30x 0.00031; gnomAD exomes 0.00077 and 0.00174; ExAC 0.00082; ESP Exome Variant Server 0.00085; TOPMed 0.00090; gnomAD 0.00098 and 0.00108.
gnomAD v4.1: 2,626 of 1,614,170 alleles (0.16%); highest among the groups gnomAD compares: Non-Finnish European, 0.21%; 2 homozygotes.

Submissions (9):

CeGaT Center for Human Genetics Tuebingen
Classification: Likely benign. Last evaluated: 2026-03-01. Review status: criteria provided, single submitter. Criteria: CeGaT Center For Human Genetics Tuebingen Variant Classification Criteria Version 2. Collection method: clinical testing. Allele origin: germline. Affected: yes. Observed: 2 variant alleles.
Comment: VLDLR: PP3, BS2

GeneDx
Classification: Uncertain significance. Last evaluated: 2024-10-15. Review status: criteria provided, single submitter. Criteria: GeneDx Variant Classification Process June 2021. Collection method: clinical testing. Allele origin: germline. Affected: yes.
Comment: Reported previously in the compound heterozygous state in a patient with autism spectrum disorder; however, no further clinical information was provided and the patient also harbored a variant in a different gene (PMID: 35668055); In silico analysis supports that this missense variant has a deleterious effect on protein structure/function; This variant is associated with the following publications: (PMID: 29117201, 35668055)

Blueprint Genetics
Classification: Uncertain significance. Last evaluated: 2024-10-07. Review status: criteria provided, single submitter. Criteria: ACMG Guidelines, 2015. Collection method: clinical testing. Allele origin: germline.

Labcorp Genetics (formerly Invitae), Labcorp
Classification: Uncertain significance. Last evaluated: 2022-05-15. Review status: criteria provided, single submitter. Criteria: Invitae Variant Classification Sherloc (09022015). Collection method: clinical testing. Allele origin: germline.
Comment: This sequence change replaces arginine, which is basic and polar, with histidine, which is basic and polar, at codon 634 of the VLDLR protein (p.Arg634His). This variant is present in population databases (rs35339834, gnomAD 0.2%), and has an allele count higher than expected for a pathogenic variant. This variant has not been reported in the literature in individuals affected with VLDLR-related conditions. ClinVar contains an entry for this variant (Variation ID: 194212). Algorithms developed to predict the effect of missense changes on protein structure and function are either unavailable or do not agree on the potential impact of this missense change (SIFT: "Not Available"; PolyPhen-2: "Probably Damaging"; Align-GVGD: "Not Available"). In summary, the available evidence is currently insufficient to determine the role of this variant in disease. Therefore, it has been classified as a Variant of Uncertain Significance.

Fulgent Genetics
Classification: Uncertain significance for Cerebellar ataxia, impaired intellectual development, and dysequilibrium syndrome 1. Last evaluated: 2018-10-31. Review status: criteria provided, single submitter. Criteria: ACMG Guidelines, 2015. Collection method: clinical testing. Allele origin: unknown.

Illumina Laboratory Services, Illumina
Classification: Uncertain significance for Cerebellar ataxia, impaired intellectual development, and dysequilibrium syndrome 1. Last evaluated: 2018-01-13. Review status: criteria provided, single submitter. Criteria: ICSL Variant Classification Criteria 13 December 2019. Collection method: clinical testing. Allele origin: germline.

Genetic Services Laboratory, University of Chicago
Classification: Uncertain significance. Last evaluated: 2015-02-06. Review status: criteria provided, single submitter. Criteria: ACMG Guidelines, 2015. Collection method: clinical testing. Allele origin: germline.

Eurofins Ntd Llc (ga)
Classification: Uncertain significance. Last evaluated: 2015-01-23. Review status: criteria provided, single submitter. Criteria: EGL Classification Definitions 2015. Collection method: clinical testing. Allele origin: germline. Observed: 2 variant alleles, 2 heterozygotes.

PreventionGenetics, part of Exact Sciences
Classification: Likely benign for VLDLR-related condition. Last evaluated: 2022-04-19. Review status: no assertion criteria provided. Collection method: clinical testing. Allele origin: germline. Not counted in ClinVar's aggregate classification.
Comment: This variant is classified as likely benign based on ACMG/AMP sequence variant interpretation guidelines (Richards et al. 2015 PMID: 25741868, with internal and published modifications).

NM_003383.5(VLDLR):c.1901G>A (p.Arg634His)

Gene: VLDLR (very low density lipoprotein receptor; plus strand). Cytogenetic location: 9p24.2.
Variant type: single nucleotide variant.
Coding change: c.1901G>A on transcript NM_003383.5 (MANE Select); coding-DNA position 1901, G replaced by A.
Protein change: p.Arg634His; replaces arginine 634 with histidine.
Molecular consequence: missense variant.
Genome position (GRCh38, 1-based): chr9:2,648,286, G>A. VCF-style: chr9-2648286-G-A. GRCh37 (hg19) VCF-style: chr9-2648286-G-A.
Other names: c.1901G>A, p.Arg634His (NM_001018056.3); c.1778G>A, p.Arg593His (NM_001322225.2, NM_001322226.2); c.1901G>A (NM_003383.4); short protein forms R634H, R593H.
Identifiers: ClinVar variation 194212 (VCV000194212.29), dbSNP rs35339834, ClinGen allele CA208671.